The following is an entry in ClinVar:

NM_002180.3(IGHMBP2):c.958C>T (p.Arg320Ter)

Gene: IGHMBP2 (immunoglobulin mu DNA binding protein 2; plus strand). Cytogenetic location: 11q13.3.
Variant type: single nucleotide variant.
Coding change: c.958C>T on transcript NM_002180.3 (MANE Select); coding-DNA position 958, C replaced by T.
Protein change: p.Arg320Ter; replaces arginine 320 with a stop codon.
Molecular consequence: nonsense.
Genome position (GRCh38, 1-based): chr11:68,917,781, C>T. VCF-style: chr11-68917781-C-T. GRCh37 (hg19) VCF-style: chr11-68685249-C-T.
Other names: short protein forms R320*.
Identifiers: ClinVar variation 374169 (VCV000374169.10), dbSNP rs773690764, ClinGen allele CA6153462.

ClinVar aggregate classification (germline): Pathogenic/Likely pathogenic. Review status: criteria provided, multiple submitters, no conflicts (2 of 4 stars). 4 submissions from 4 submitters: Pathogenic (2); Likely pathogenic (1). 1 of the submissions does not count toward it. Last evaluated 2024-03-17.

Conditions:
Autosomal recessive distal spinal muscular atrophy 1. Also called: NEURONOPATHY, DISTAL HEREDITARY MOTOR, HARDING TYPE VI; NEUROPATHY, DISTAL HEREDITARY MOTOR, AUTOSOMAL RECESSIVE 1; HMN VI; NEURONOPATHY, SEVERE INFANTILE AXONAL, WITH RESPIRATORY FAILURE; SEVERE INFANTILE AXONAL NEUROPATHY WITH RESPIRATORY FAILURE; SPINAL MUSCULAR ATROPHY, DIAPHRAGMATIC. Identifiers: Orphanet 98920, MedGen C1858517, MONDO:0011436, OMIM 604320.
Charcot-Marie-Tooth disease. Also called: Charcot-Marie-Tooth Neuropathy; Charcot-Marie-Tooth Hereditary Neuropathy. Identifiers: Orphanet 166, MedGen C0007959, MONDO:0015626.
Charcot-Marie-Tooth disease axonal type 2S. Also called: CHARCOT-MARIE-TOOTH DISEASE, AXONAL, AUTOSOMAL RECESSIVE, TYPE 2S; CHARCOT-MARIE-TOOTH NEUROPATHY, TYPE 2S. Identifiers: Orphanet 443073, MedGen C4015349, MONDO:0014511, OMIM 616155.
Hammertoe. Identifiers: MedGen C1136179, HP:0001765.
Progressive muscle weakness. Identifiers: MedGen C0240421, HP:0003323.
Lower limb muscle weakness. Identifiers: MedGen C1836296, HP:0007340.
Difficulty walking. Identifiers: MedGen C0311394.
Inability to walk. Identifiers: MedGen C0560046, HP:0002540.

Allele frequency attached by ClinVar (database versions not stated): gnomAD exomes below 0.00001 and 0.00001; TOPMed below 0.00001; ExAC 0.00001; gnomAD 0.00001.
gnomAD v4.1: 19 of 1,612,942 alleles (0.0012%); highest among the groups gnomAD compares: South Asian, 0.0044%; no homozygotes.

Submissions (4):

Genomic Medicine Center of Excellence, King Faisal Specialist Hospital and Research Centre
Classification: Pathogenic for Autosomal recessive distal spinal muscular atrophy 1. Last evaluated: 2024-03-17. Review status: criteria provided, single submitter. Criteria: ACMG Guidelines, 2015. Collection method: research. Allele origin: germline.

Labcorp Genetics (formerly Invitae), Labcorp
Classification: Pathogenic for Autosomal recessive distal spinal muscular atrophy 1; Charcot-Marie-Tooth disease axonal type 2S. Last evaluated: 2023-06-04. Review status: criteria provided, single submitter. Criteria: Invitae Variant Classification Sherloc (09022015). Collection method: clinical testing. Allele origin: germline.
Comment: ClinVar contains an entry for this variant (Variation ID: 374169). For these reasons, this variant has been classified as Pathogenic. This sequence change creates a premature translational stop signal (p.Arg320*) in the IGHMBP2 gene. It is expected to result in an absent or disrupted protein product. Loss-of-function variants in IGHMBP2 are known to be pathogenic (PMID: 14681881, 25439726, 25568292). This variant is present in population databases (rs773690764, gnomAD 0.006%). This premature translational stop signal has been observed in individuals with clinical features of IGHMBP2-related conditions (PMID: 14506069).

Centre for Mendelian Genomics, University Medical Centre Ljubljana
Classification: Likely pathogenic for Gait disturbance; Hammertoe; Inability to walk; Lower limb muscle weakness; Progressive muscle weakness. Last evaluated: 2014-06-19. Review status: criteria provided, single submitter. Criteria: ACMG Guidelines, 2015. Collection method: clinical testing. Allele origin: unknown. Affected: yes.

Inherited Neuropathy Consortium
Classification: Uncertain significance for Charcot-Marie-Tooth disease. Review status: no assertion criteria provided. Collection method: literature only. Allele origin: germline. Affected: yes. Not counted in ClinVar's aggregate classification.

Literature cited by the submitters: PubMed 14681881 (cited by Labcorp Genetics (formerly Invitae), Labcorp); PubMed 25439726 (cited by Labcorp Genetics (formerly Invitae), Labcorp); PubMed 25568292 (cited by Labcorp Genetics (formerly Invitae), Labcorp); PubMed 14506069 (cited by Labcorp Genetics (formerly Invitae), Labcorp and Inherited Neuropathy Consortium).